The following is an entry in ClinVar:

ClinVar aggregate classification (germline): Uncertain significance (1 of 4 stars; one submission).

gnomAD v4.1: 1 of 1,613,976 alleles (0.000062%); highest among the groups gnomAD compares: Non-Finnish European, 0.000085%; no homozygotes.

Submission:

GeneDx
Classification: Uncertain significance. Last evaluated: 2025-03-26. Review status: criteria provided, single submitter. Criteria: GeneDx Variant Classification Process June 2021. Collection method: clinical testing. Allele origin: germline. Affected: yes.
Comment: Not observed at significant frequency in large population cohorts (gnomAD); In silico analysis supports that this missense variant has a deleterious effect on protein structure/function; Has not been previously published as pathogenic or benign to our knowledge

NM_197968.4(ZMYM2):c.896C>T (p.Pro299Leu)

Gene: ZMYM2 (zinc finger MYM-type containing 2; plus strand). Cytogenetic location: 13q12.11.
Variant type: single nucleotide variant.
Coding change: c.896C>T on transcript NM_197968.4 (MANE Select); coding-DNA position 896, C replaced by T.
Protein change: p.Pro299Leu; replaces proline 299 with leucine.
Molecular consequence: missense variant. On other transcripts: non-coding transcript variant (1).
Genome position (GRCh38, 1-based): chr13:20,002,898, C>T. VCF-style: chr13-20002898-C-T. GRCh37 (hg19) VCF-style: chr13-20577038-C-T.
Other names: c.896C>T, p.Pro299Leu (NM_001190964.4, NM_001190965.4, NM_001353157.2 and 5 more transcripts); c.701C>T, p.Pro234Leu (NM_001353161.3); c.635C>T, p.Pro212Leu (NM_001353163.2); short protein forms P299L, P212L, P234L.
Identifiers: ClinVar variation 4088036 (VCV004088036.1).
Genomic context (GRCh38, chr13:20,002,898, plus strand): 5'-TTTGTTTTTAAGATTCTTGGATCTCCCAGTCAGCTTCATTTCCCCGTAATCAGAAACAAC[C>T]AGGGGTGGACTCTTTATCACCAGTGGCCTCACTTCCTAAACAGATTTTCCAGCCGTCTGT-3'
Protein context (NP_932072.1, residues 289-309): SASFPRNQKQ[Pro299Leu]GVDSLSPVAS